The following is an entry in ClinVar:

ClinVar aggregate classification (germline): Uncertain significance (1 of 4 stars; one submission).

Submission:

Clinical Genomics Laboratory, Washington University in St. Louis
Classification: Uncertain significance. Last evaluated: 2023-07-18. Review status: criteria provided, single submitter. Criteria: ACMG Guidelines, 2015. Collection method: clinical testing. Allele origin: germline.
Comment: The SEMA6D c.2673_2676dup (p.Pro893fs) variant, to our knowledge, has not been reported in the medical literature and is variant is absent from the general population (gnomAD v.2.1.1), indicating it is not a common variant. This variant causes a frameshift by duplicating four nucleotides, leading to a premature termination codon; however, because this occurs in the last exon, this is not predicted to lead to nonsense mediated decay but is expected to remove approximately 16% of the total protein length. Due to limited information, the clinical significance of this variant is uncertain.

NM_001358351.3(SEMA6D):c.2673_2676dup (p.Pro893Ter)

Gene: SEMA6D (semaphorin 6D; plus strand). Cytogenetic location: 15q21.1.
Variant type: Duplication.
Coding change: c.2673_2676dup on transcript NM_001358351.3 (MANE Select); coding-DNA positions 2673 to 2676, 4 bases duplicated (TAAC; older notation c.2673_2676dupTAAC).
Protein change: p.Pro893Ter; replaces proline 893 with a stop codon.
Molecular consequence: nonsense. On other transcripts: 3 prime UTR variant (1).
Genome position (GRCh38, 1-based): chr15:47,771,236-47,771,239, TAAC duplicated. VCF-style (leftmost placement, unchanged base first): chr15-47771235-G-GTAAC. GRCh37 (hg19) VCF-style: chr15-48063432-G-GTAAC.
Other names: c.2487_2490dup, p.Pro831Ter (NM_001198999.2, NM_020858.2); c.2712_2715dup, p.Pro906Ter (NM_001358352.2); c.2448_2451dup, p.Pro818Ter (NM_153616.2); c.2505_2508dup, p.Pro837Ter (NM_153617.2); c.2673_2676dup, p.Pro893Ter (NM_153618.2); c.*689_*692dup (NM_153619.1); short protein forms P818*, P831*, P837*, P893*, P906*.
Identifiers: ClinVar variation 2672126 (VCV002672126.1), dbSNP rs2511400589, ClinGen allele CA2695197280.